The following is an entry in ClinVar:

NM_023110.3(FGFR1):c.1079A>T (p.Glu360Val)

Gene: FGFR1 (fibroblast growth factor receptor 1; minus strand). Cytogenetic location: 8p11.23.
Variant type: single nucleotide variant.
Coding change: c.1079A>T on transcript NM_023110.3 (MANE Select); coding-DNA position 1079, A replaced by T.
Protein change: p.Glu360Val; replaces glutamic acid 360 with valine.
Molecular consequence: missense variant.
Genome position (GRCh38, 1-based): chr8:38,421,799, T>A on the plus strand (A>T on the coding strand, the complement: FGFR1 is on the minus strand). VCF-style: chr8-38421799-T-A. GRCh37 (hg19) VCF-style: chr8-38279317-T-A.
Other names: c.1079A>T, p.Glu360Val (NM_001174063.2); c.1055A>T, p.Glu352Val (NM_001174064.2); c.1073A>T, p.Glu358Val (NM_001174065.2, NM_001354367.2, NM_001354369.2 and 2 more transcripts); c.812A>T, p.Glu271Val (NM_001174066.2, NM_023105.3); c.1172A>T, p.Glu391Val (NM_001174067.2); c.806A>T, p.Glu269Val (NM_001354368.2, NM_001354370.2, NM_023106.3); short protein forms E269V, E271V, E352V, E358V, E360V, E391V.
Identifiers: ClinVar variation 3383248 (VCV003383248.1).
Genomic context (GRCh38, chr8:38,421,799, plus strand): 5'-GCTCCCCCCGTGCCCGTGGCGAGGGCAGGACATCGAGAGGAGAAGTTACAGTGTGTACCT[T>A]CCAGAACGGTCAACCATGCAGAGTGATGGGAGAGTCCGATAGAGTTACCCGCCAAGCACG-3'
Protein context (NP_075598.2, residues 350-370): SHHSAWLTVL[Glu360Val]ALEERPAVMT

ClinVar aggregate classification (germline): Uncertain significance (1 of 4 stars; one submission).

Conditions:
Hypogonadotropic hypogonadism 2 with or without anosmia (HH2). Also called: HYPOGONADOTROPIC HYPOGONADISM 2 WITHOUT ANOSMIA; HYPOGONADOTROPIC HYPOGONADISM 2 WITH OR WITHOUT ANOSMIA, SUSCEPTIBILITY TO; HYPOGONADOTROPIC HYPOGONADISM 2 WITHOUT ANOSMIA, SUSCEPTIBILITY TO; FGFR1-Related GnRH Deficiency (Kallmann Syndrome 2). Identifiers: Orphanet 478, MedGen C1563720, MONDO:0007844, OMIM 147950. Disease mechanism: loss of function.

Submission:

MVZ Medizinische Genetik Mainz
Classification: Uncertain significance for Hypogonadotropic hypogonadism 2 with or without anosmia. Last evaluated: 2024-11-14. Review status: criteria provided, single submitter. Criteria: UK Practice Guidelines For Variant Classification V4 01 2020. Collection method: clinical testing. Allele origin: germline. Inheritance: Autosomal dominant inheritance. Affected: yes. Observed: 1 variant allele.
Comment: ACMG Criteria: PM2_SUP,PP3